The following is an entry in ClinVar:

ClinVar aggregate classification (germline): Uncertain significance (1 of 4 stars; one submission).

Allele frequency attached by ClinVar (database versions not stated): gnomAD exomes below 0.00001; ExAC 0.00001; gnomAD 0.00001.
gnomAD v4.1: 4 of 1,606,010 alleles (0.00025%); highest among the groups gnomAD compares: African/African-American, 0.0013%; no homozygotes.

Submission:

Labcorp Genetics (formerly Invitae), Labcorp
Classification: Uncertain significance. Last evaluated: 2024-09-01. Review status: criteria provided, single submitter. Criteria: Invitae Variant Classification Sherloc (09022015). Collection method: clinical testing. Allele origin: germline.
Comment: This sequence change replaces leucine, which is neutral and non-polar, with arginine, which is basic and polar, at codon 368 of the GABRB1 protein (p.Leu368Arg). This variant is present in population databases (rs774219152, gnomAD 0.004%). This variant has not been reported in the literature in individuals affected with GABRB1-related conditions. ClinVar contains an entry for this variant (Variation ID: 1968988). Invitae Evidence Modeling of protein sequence and biophysical properties (such as structural, functional, and spatial information, amino acid conservation, physicochemical variation, residue mobility, and thermodynamic stability) indicates that this missense variant is not expected to disrupt GABRB1 protein function with a negative predictive value of 80%. In summary, the available evidence is currently insufficient to determine the role of this variant in disease. Therefore, it has been classified as a Variant of Uncertain Significance.

NM_000812.4(GABRB1):c.1103T>G (p.Leu368Arg)

Gene: GABRB1 (gamma-aminobutyric acid type A receptor subunit beta1; plus strand). Cytogenetic location: 4p12.
Variant type: single nucleotide variant.
Coding change: c.1103T>G on transcript NM_000812.4 (MANE Select); coding-DNA position 1103, T replaced by G.
Protein change: p.Leu368Arg; replaces leucine 368 with arginine.
Molecular consequence: missense variant.
Genome position (GRCh38, 1-based): chr4:47,425,696, T>G. VCF-style: chr4-47425696-T-G. GRCh37 (hg19) VCF-style: chr4-47427713-T-G.
Other names: short protein forms L368R.
Identifiers: ClinVar variation 1968988 (VCV001968988.5), dbSNP rs774219152, ClinGen allele CA2907759.
Genomic context (GRCh38, chr4:47,425,696, plus strand): 5'-CTGCAACTTGTGTCCGAGCCTGTTCTTTTTGCCATCAGGTCGACGCCCACGGTAACATTC[T>G]CCTCAGCACCCTGGAAATCCGGAATGAGACGAGTGGCTCGGAAGTGCTCACGAGCGTGAG-3'
Protein context (NP_000803.2, residues 358-378): KVQVDAHGNI[Leu368Arg]LSTLEIRNET